The following is an entry in ClinVar:

NM_001375567.1(FOCAD):c.970C>G (p.Gln324Glu)

Gene: FOCAD (focadhesin; plus strand). Cytogenetic location: 9p21.3.
Variant type: single nucleotide variant.
Coding change: c.970C>G on transcript NM_001375567.1 (MANE Select); coding-DNA position 970, C replaced by G.
Protein change: p.Gln324Glu; replaces glutamine 324 with glutamic acid.
Molecular consequence: missense variant.
Genome position (GRCh38, 1-based): chr9:20,778,744, C>G. VCF-style: chr9-20778744-C-G. GRCh37 (hg19) VCF-style: chr9-20778743-C-G.
Other names: c.970C>G, p.Gln324Glu (NM_001375568.1, NM_017794.5); c.865C>G, p.Gln289Glu (NM_001375570.1); short protein forms Q289E, Q324E.
Identifiers: ClinVar variation 3712202 (VCV003712202.2).
Genomic context (GRCh38, chr9:20,778,744, plus strand): 5'-TTTCCTGTTGAACTGGTCATAATTGGAATAGCTTTACTACTTCTACAGACTCCAGCAAGT[C>G]AGCAGAAGCCAATCTTAAATCTAGGTAAATAAAAATACAGTCACTAGAGTAAAATGTAAA-3'
Protein context (NP_001362496.1, residues 314-334): ALLLLQTPAS[Gln324Glu]QKPILNLALK

ClinVar aggregate classification (germline): Uncertain significance (1 of 4 stars; one submission).

gnomAD v4.1: 1 of 1,609,154 alleles (0.000062%); highest among the groups gnomAD compares: Non-Finnish European, 0.000085%; no homozygotes.

Submission:

Labcorp Genetics (formerly Invitae), Labcorp
Classification: Uncertain significance. Last evaluated: 2024-12-13. Review status: criteria provided, single submitter. Criteria: Invitae Variant Classification Sherloc (09022015). Collection method: clinical testing. Allele origin: germline.
Comment: This sequence change replaces glutamine, which is neutral and polar, with glutamic acid, which is acidic and polar, at codon 324 of the FOCAD protein (p.Gln324Glu). This variant is not present in population databases (gnomAD no frequency). This variant has not been reported in the literature in individuals affected with FOCAD-related conditions. Experimental studies and prediction algorithms are not available or were not evaluated, and the functional significance of this variant is currently unknown. In summary, the available evidence is currently insufficient to determine the role of this variant in disease. Therefore, it has been classified as a Variant of Uncertain Significance.